The following is an entry in ClinVar:

ClinVar aggregate classification (germline): Uncertain significance. Review status: criteria provided, multiple submitters, no conflicts (2 of 4 stars). 2 submissions from 2 submitters: Uncertain significance (2). Last evaluated 2024-05-17.

Conditions:
Myofibrillar myopathy 4. Also called: Zaspopathy (type). Identifiers: Orphanet 98912, MedGen C4721886, MONDO:0012277, OMIM 609452.
Cardiomyopathy (CMYO). Also called: Cardiomyopathies. Identifiers: Orphanet 167848, MedGen C0878544, MONDO:0004994, HP:0001638. Inheritance: Various modes of inheritance.

Allele frequency attached by ClinVar (database versions not stated): gnomAD below 0.00001 and 0.00002; gnomAD exomes 0.00001.
gnomAD v4.1: 6 of 1,614,076 alleles (0.00037%); highest among the groups gnomAD compares: South Asian, 0.0055%; no homozygotes.

Submissions (2):

Labcorp Genetics (formerly Invitae), Labcorp
Classification: Uncertain significance for Myofibrillar myopathy 4. Last evaluated: 2024-05-17. Review status: criteria provided, single submitter. Criteria: Invitae Variant Classification Sherloc (09022015). Collection method: clinical testing. Allele origin: germline.
Comment: The LDB3 gene has multiple clinically relevant transcripts. This variant occurs in alternate transcript NM_007078.3, and corresponds to NM_001080116.1:c.*19390C>A in the primary transcript. This sequence change replaces threonine, which is neutral and polar, with asparagine, which is neutral and polar, at codon 632 of the LDB3 protein (p.Thr632Asn). This variant is not present in population databases (gnomAD no frequency). This variant has not been reported in the literature in individuals affected with LDB3-related conditions. Experimental studies and prediction algorithms are not available or were not evaluated, and the functional significance of this variant is currently unknown. In summary, the available evidence is currently insufficient to determine the role of this variant in disease. Therefore, it has been classified as a Variant of Uncertain Significance.

CHEO Genetics Diagnostic Laboratory, Children's Hospital of Eastern Ontario
Classification: Uncertain significance for Cardiomyopathy. Last evaluated: 2018-08-02. Review status: criteria provided, single submitter. Criteria: ACMG Guidelines, 2015. Collection method: clinical testing. Allele origin: germline.

NM_007078.3(LDB3):c.1895C>A (p.Thr632Asn)

Gene: LDB3 (LIM domain binding 3; plus strand). Cytogenetic location: 10q23.2.
Variant type: single nucleotide variant.
Coding change: c.1895C>A on transcript NM_007078.3 (MANE Select); coding-DNA position 1895, C replaced by A.
Protein change: p.Thr632Asn; replaces threonine 632 with asparagine.
Molecular consequence: missense variant.
Genome position (GRCh38, 1-based): chr10:86,718,764, C>A. VCF-style: chr10-86718764-C-A. GRCh37 (hg19) VCF-style: chr10-88478521-C-A.
Other names: c.1565C>A, p.Thr522Asn (NM_001080114.2); c.1910C>A, p.Thr637Asn (NM_001171610.2); c.1706C>A, p.Thr569Asn (NM_001368064.1, NM_001368065.1); c.1754C>A, p.Thr585Asn (NM_001368066.1); short protein forms T522N, T637N, T569N, T585N, T632N.
Identifiers: ClinVar variation 915506 (VCV000915506.4), dbSNP rs1195333947, ClinGen allele CA377453783.